The following is an entry in ClinVar:

NM_000181.4(GUSB):c.1832G>C (p.Arg611Pro)

Gene: GUSB (glucuronidase beta; minus strand). Cytogenetic location: 7q11.21.
Variant type: single nucleotide variant.
Coding change: c.1832G>C on transcript NM_000181.4 (MANE Select); coding-DNA position 1832, G replaced by C.
Protein change: p.Arg611Pro; replaces arginine 611 with proline.
Molecular consequence: missense variant. On other transcripts: non-coding transcript variant (1).
Genome position (GRCh38, 1-based): chr7:65,961,021, C>G on the plus strand (G>C on the coding strand, the complement: GUSB is on the minus strand). VCF-style: chr7-65961021-C-G. GRCh37 (hg19) VCF-style: chr7-65426008-C-G.
Other names: c.1394G>C, p.Arg465Pro (NM_001284290.2); c.1262G>C, p.Arg421Pro (NM_001293104.2); c.1175G>C, p.Arg392Pro (NM_001293105.2); short protein forms R392P, R421P, R465P, R611P.
Identifiers: ClinVar variation 4848581 (VCV004848581.1).

ClinVar aggregate classification (germline): Uncertain significance (1 of 4 stars; one submission).

Submission:

Women's Health and Genetics/Laboratory Corporation of America, LabCorp
Classification: Uncertain significance. Last evaluated: 2026-04-14. Review status: criteria provided, single submitter. Criteria: LabCorp Variant Classification Summary - May 2015. Collection method: clinical testing. Allele origin: germline.
Comment: Variant summary: GUSB c.1832G>C (p.Arg611Pro) results in a non-conservative amino acid change in the encoded protein sequence. Algorithms developed to predict the effect of missense changes on protein structure and function all suggest that this variant is likely to be disruptive. The variant was absent in 251484 control chromosomes (gnomAD). The available data on variant occurrences in the general population are insufficient to allow any conclusion about variant significance. To our knowledge, no occurrence of c.1832G>C in individuals affected with GUSB-related conditions and no experimental evidence demonstrating its impact on protein function have been reported. A different variant affecting the same codon has been classified as likely pathogenic by our lab (c.1831C>T, p.Arg611Trp), supporting the critical relevance of codon 611 to GUSB protein function. No submitters have cited clinical-significance assessments for this variant to ClinVar. Based on the evidence outlined above, the variant was classified as uncertain significance.